The following is an entry in ClinVar:

ClinVar aggregate classification (germline): Uncertain significance (1 of 4 stars; one submission).

Conditions:
Nemaline myopathy 2 (NEM2). Also called: Nemaline myopathy 2, autosomal recessive. Identifiers: MedGen C1850569, MONDO:0009725, OMIM 256030.

Submission:

Labcorp Genetics (formerly Invitae), Labcorp
Classification: Uncertain significance for Nemaline myopathy 2. Last evaluated: 2021-09-01. Review status: criteria provided, single submitter. Criteria: Invitae Variant Classification Sherloc (09022015). Collection method: clinical testing. Allele origin: germline.
Comment: This sequence change replaces histidine with arginine at codon 2872 of the NEB protein (p.His2872Arg). The histidine residue is moderately conserved and there is a small physicochemical difference between histidine and arginine. This variant is not present in population databases (ExAC no frequency). This variant has not been reported in the literature in individuals affected with NEB-related conditions. Algorithms developed to predict the effect of missense changes on protein structure and function are either unavailable or do not agree on the potential impact of this missense change (SIFT: "Deleterious"; PolyPhen-2: "Not Available"; Align-GVGD: "Class C0"). In summary, the available evidence is currently insufficient to determine the role of this variant in disease. Therefore, it has been classified as a Variant of Uncertain Significance.

NM_001164508.2(NEB):c.8615A>G (p.His2872Arg)

Gene: NEB (nebulin; minus strand). Cytogenetic location: 2q23.3.
Variant type: single nucleotide variant.
Coding change: c.8615A>G on transcript NM_001164508.2 (MANE Select); coding-DNA position 8615, A replaced by G.
Protein change: p.His2872Arg; replaces histidine 2872 with arginine.
Molecular consequence: missense variant.
Genome position (GRCh38, 1-based): chr2:151,640,425, T>C on the plus strand (A>G on the coding strand, the complement: NEB is on the minus strand). VCF-style: chr2-151640425-T-C. GRCh37 (hg19) VCF-style: chr2-152496939-T-C.
Other names: c.8615A>G, p.His2872Arg (NM_001164507.2, NM_001271208.2, NM_004543.5); short protein forms H2872R.
Identifiers: ClinVar variation 1043638 (VCV001043638.2), dbSNP rs2098832647, ClinGen allele CA348809915.